The following is an entry in ClinVar:

ClinVar aggregate classification (germline): Uncertain significance (1 of 4 stars; one submission).

gnomAD v4.1: 51 of 1,612,478 alleles (0.0032%); highest among the groups gnomAD compares: South Asian, 0.054%; no homozygotes.

Submission:

Labcorp Genetics (formerly Invitae), Labcorp
Classification: Uncertain significance. Last evaluated: 2025-12-18. Review status: criteria provided, single submitter. Criteria: Invitae Variant Classification Sherloc (09022015). Collection method: clinical testing. Allele origin: germline.
Comment: This sequence change replaces phenylalanine, which is neutral and non-polar, with leucine, which is neutral and non-polar, at codon 1374 of the ZDBF2 protein (p.Phe1374Leu). This variant is present in population databases (rs763508991, gnomAD 0.07%), and has an allele count higher than expected for a pathogenic variant. This variant has not been reported in the literature in individuals affected with ZDBF2-related conditions. An algorithm developed to predict the effect of missense changes on protein structure and function outputs the following: PolyPhen-2: "Benign". The leucine amino acid residue is found in multiple mammalian species, which suggests that this missense change does not adversely affect protein function. In summary, the available evidence is currently insufficient to determine the role of this variant in disease. Therefore, it has been classified as a Variant of Uncertain Significance.

NM_020923.3(ZDBF2):c.4122T>A (p.Phe1374Leu)

Gene: ZDBF2 (zinc finger DBF-type containing 2; plus strand). Cytogenetic location: 2q33.3.
Variant type: single nucleotide variant.
Coding change: c.4122T>A on transcript NM_020923.3 (MANE Select); coding-DNA position 4122, T replaced by A.
Protein change: p.Phe1374Leu; replaces phenylalanine 1374 with leucine.
Molecular consequence: missense variant.
Genome position (GRCh38, 1-based): chr2:206,308,650, T>A. VCF-style: chr2-206308650-T-A. GRCh37 (hg19) VCF-style: chr2-207173374-T-A.
Other names: c.4116T>A, p.Phe1372Leu (NM_001285549.2); c.4122T>A, p.Phe1374Leu (NM_001369654.1); short protein forms F1372L, F1374L.
Identifiers: ClinVar variation 4753636 (VCV004753636.1).